The following is an entry in ClinVar:

ClinVar aggregate classification (germline): Pathogenic. Review status: criteria provided, multiple submitters, no conflicts (2 of 4 stars). 2 submissions from 2 submitters: Pathogenic (2). Last evaluated 2025-03-31.

Conditions:
Hereditary cancer-predisposing syndrome. Also called: Neoplastic Syndromes, Hereditary; Tumor predisposition; Hereditary Cancer Syndrome; Hereditary neoplastic syndrome. Identifiers: Orphanet 140162, MedGen C0027672, MeSH D009386, MONDO:0015356.
DICER1-related tumor predisposition. Also called: DICER1 syndrome; DICER1-related pleuropulmonary blastoma cancer predisposition syndrome. Identifiers: Orphanet 284343, MedGen C3839822, MONDO:0100216.

Submissions (2):

Labcorp Genetics (formerly Invitae), Labcorp
Classification: Pathogenic for DICER1-related tumor predisposition. Last evaluated: 2025-03-31. Review status: criteria provided, single submitter. Criteria: Invitae Variant Classification Sherloc (09022015). Collection method: clinical testing. Allele origin: germline.
Comment: This sequence change creates a premature translational stop signal (p.Val1211Cysfs*28) in the DICER1 gene. It is expected to result in an absent or disrupted protein product. Loss-of-function variants in DICER1 are known to be pathogenic (PMID: 19556464, 21266384). This variant is not present in population databases (gnomAD no frequency). This variant has not been reported in the literature in individuals affected with DICER1-related conditions. ClinVar contains an entry for this variant (Variation ID: 1733414). For these reasons, this variant has been classified as Pathogenic.

Ambry Genetics
Classification: Pathogenic for Hereditary cancer-predisposing syndrome. Last evaluated: 2021-03-23. Review status: criteria provided, single submitter. Criteria: Ambry Variant Classification Scheme 2023. Collection method: clinical testing. Allele origin: germline.
Comment: The c.3630delC pathogenic mutation, located in coding exon 20 of the DICER1 gene, results from a deletion of one nucleotide at nucleotide position 3630, causing a translational frameshift with a predicted alternate stop codon (p.V1211Cfs*28). This alteration is expected to result in loss of function by premature protein truncation or nonsense-mediated mRNA decay. As such, this alteration is interpreted as a disease-causing mutation.

Literature cited by the submitters: PubMed 19556464 (cited by Labcorp Genetics (formerly Invitae), Labcorp); PubMed 21266384 (cited by Labcorp Genetics (formerly Invitae), Labcorp).

NM_177438.3(DICER1):c.3630del (p.Val1211fs)

Gene: DICER1 (dicer 1, ribonuclease III; minus strand). Cytogenetic location: 14q32.13.
Variant type: Deletion.
Coding change: c.3630del on transcript NM_177438.3 (MANE Select); coding-DNA position 3630, one base deleted (C; older notation c.3630delC).
Protein change: p.Val1211fs; shifts the reading frame from valine 1211.
Molecular consequence: frameshift variant. On other transcripts: non-coding transcript variant (6).
Genome position (GRCh38, 1-based): chr14:95,103,766, G deleted on the plus strand (C on the coding strand, the reverse complement: DICER1 is on the minus strand); the first of 3 consecutive G bases (chr14:95,103,766-95,103,768); deleting any one gives the same sequence. VCF-style (leftmost placement, unchanged base first): chr14-95103765-CG-C. GRCh37 (hg19) VCF-style: chr14-95570102-CG-C.
Other names: c.3630del, p.Val1211fs (NM_001195573.1, NM_001271282.3, NM_001291628.2 and 12 more transcripts); c.3628delC, p.Val1211Cysfs (NM_001395681.1); c.3348del, p.Val1117fs (NM_001395686.1); c.3225del, p.Val1076fs (NM_001395687.1, NM_001395688.1, NM_001395689.1 and 2 more transcripts); c.3063del, p.Val1022fs (NM_001395691.1); c.1947del, p.Val650fs (NM_001395697.1); c.3630delC (NM_177438.2); short protein forms V650fs, V1022fs, V1211fs, V1076fs, V1117fs.
Identifiers: ClinVar variation 1733414 (VCV001733414.5), dbSNP rs2542705456, ClinGen allele CA2580088961.
Genomic context (GRCh38, chr14:95,103,765, plus strand): 5'-GCTGGGGCTGGTTCTCGTAACTGTATAAATTCTGAATGGAATATGAGGTAGTTGGTTGCA[CG>C]GGTATTTCCTGCTTGTAGTAATTTAGCTGATTTCCTTGGCAAAAGTCTCTGTTAGCTAAA-3'